The following is an entry in ClinVar:

NM_004130.4(GYG1):c.332T>C (p.Ile111Thr)

Gene: GYG1 (glycogenin 1; plus strand). Cytogenetic location: 3q24.
Variant type: single nucleotide variant.
Coding change: c.332T>C on transcript NM_004130.4 (MANE Select); coding-DNA position 332, T replaced by C.
Protein change: p.Ile111Thr; replaces isoleucine 111 with threonine.
Molecular consequence: missense variant.
Genome position (GRCh38, 1-based): chr3:148,996,755, T>C. VCF-style: chr3-148996755-T-C. GRCh37 (hg19) VCF-style: chr3-148714542-T-C.
Other names: c.332T>C, p.Ile111Thr (NM_001184720.2, NM_001184721.2); c.332T>C (NM_004130.3); short protein forms I111T.
Identifiers: ClinVar variation 2195478 (VCV002195478.4), dbSNP rs200687148, ClinGen allele CA2658539.
Genomic context (GRCh38, chr3:148,996,755, plus strand): 5'-TCTGCAGCAAAAACATTTCTGTAATGCTCTTTCTCCCCTTTGATCAGGTCCTAGCAAATA[T>C]TGATGATCTTTTTGACAGAGAAGAATTGTCAGCAGCACCAGACCCAGGGTGGCCTGACTG-3'
Protein context (NP_004121.2, residues 101-121): MDADTLVLAN[Ile111Thr]DDLFDREELS

ClinVar aggregate classification (germline): Uncertain significance. Review status: criteria provided, multiple submitters, no conflicts (2 of 4 stars). 2 submissions from 2 submitters: Uncertain significance (2). Last evaluated 2026-01-19.

Conditions:
Polyglucosan body myopathy type 2. Identifiers: Orphanet 456369, MedGen C4015452, MONDO:0014526, OMIM 616199.
Glycogen storage disease XV (GSD15). Also called: GLYCOGENIN DEFICIENCY; GSD XV. Identifiers: Orphanet 263297, MedGen C3150754, MONDO:0013291, OMIM 613507.
Inborn genetic diseases. Identifiers: MedGen C0950123, MeSH D030342.

Allele frequency attached by ClinVar (database versions not stated): gnomAD exomes 0.00002; gnomAD 0.00003; TOPMed 0.00003; ESP Exome Variant Server 0.00008; ExAC 0.00002.
gnomAD v4.1: 33 of 1,613,864 alleles (0.002%); highest among the groups gnomAD compares: Non-Finnish European, 0.0026%; no homozygotes.

Submissions (2):

Labcorp Genetics (formerly Invitae), Labcorp
Classification: Uncertain significance for Polyglucosan body myopathy type 2; Glycogen storage disease XV. Last evaluated: 2026-01-19. Review status: criteria provided, single submitter. Criteria: Invitae Variant Classification Sherloc (09022015). Collection method: clinical testing. Allele origin: germline.
Comment: This sequence change replaces isoleucine, which is neutral and non-polar, with threonine, which is neutral and polar, at codon 111 of the GYG1 protein (p.Ile111Thr). This variant is present in population databases (rs200687148, gnomAD 0.004%). This variant has not been reported in the literature in individuals affected with GYG1-related conditions. ClinVar contains an entry for this variant (Variation ID: 2195478). Invitae Evidence Modeling of protein sequence and biophysical properties (such as structural, functional, and spatial information, amino acid conservation, physicochemical variation, residue mobility, and thermodynamic stability) has been performed for this missense variant. However, the output from this modeling did not meet the statistical confidence thresholds required to predict the impact of this variant on GYG1 protein function. In summary, the available evidence is currently insufficient to determine the role of this variant in disease. Therefore, it has been classified as a Variant of Uncertain Significance.

Ambry Genetics
Classification: Uncertain significance for Inborn genetic diseases. Last evaluated: 2023-04-10. Review status: criteria provided, single submitter. Criteria: Ambry Variant Classification Scheme 2023. Collection method: clinical testing. Allele origin: germline.